The following is an entry in ClinVar:

NM_001384474.1(LOXHD1):c.4519G>A (p.Glu1507Lys)

Gene: LOXHD1 (lipoxygenase homology PLAT domains 1; minus strand). Cytogenetic location: 18q21.1.
Variant type: single nucleotide variant.
Coding change: c.4519G>A on transcript NM_001384474.1 (MANE Select); coding-DNA position 4519, G replaced by A.
Protein change: p.Glu1507Lys; replaces glutamic acid 1507 with lysine.
Molecular consequence: missense variant.
Genome position (GRCh38, 1-based): chr18:46,529,188, C>T on the plus strand (G>A on the coding strand, the complement: LOXHD1 is on the minus strand). VCF-style: chr18-46529188-C-T. GRCh37 (hg19) VCF-style: chr18-44109151-C-T.
Other names: c.1186G>A, p.Glu396Lys (NM_001145472.3); c.898G>A, p.Glu300Lys (NM_001308013.2); c.4519G>A, p.Glu1507Lys (NM_144612.7); short protein forms E300K, E1507K, E396K.
Identifiers: ClinVar variation 891650 (VCV000891650.7), dbSNP rs752123459, ClinGen allele CA8952341.

ClinVar aggregate classification (germline): Uncertain significance. Review status: criteria provided, multiple submitters, no conflicts (2 of 4 stars). 4 submissions from 4 submitters: Uncertain significance (4). Last evaluated 2025-07-01.

Conditions:
Autosomal recessive nonsyndromic hearing loss 77. Identifiers: Orphanet 90636, MedGen C2746083, MONDO:0013119, OMIM 613079.
Inborn genetic diseases. Identifiers: MedGen C0950123, MeSH D030342.

Allele frequency attached by ClinVar (database versions not stated): TOPMed 0.00001; ExAC 0.00009.
gnomAD v4.1: 27 of 1,551,552 alleles (0.0017%); highest among the groups gnomAD compares: Middle Eastern, 0.017%; 1 homozygote.

Submissions (4):

Ambry Genetics
Classification: Uncertain significance for Inborn genetic diseases. Last evaluated: 2025-07-01. Review status: criteria provided, single submitter. Criteria: Ambry Variant Classification Scheme 2023. Collection method: clinical testing. Allele origin: germline.

Women's Health and Genetics/Laboratory Corporation of America, LabCorp
Classification: Uncertain significance. Last evaluated: 2025-05-29. Review status: criteria provided, single submitter. Criteria: LabCorp Variant Classification Summary - May 2015. Collection method: clinical testing. Allele origin: germline.
Comment: Variant summary: LOXHD1 c.4519G>A (p.Glu1507Lys) results in a conservative amino acid change in the encoded protein sequence. Algorithms developed to predict the effect of missense changes on protein structure and function are either unavailable or do not agree on the potential impact of this missense change. The variant allele was found at a frequency of 3.2e-05 in 158576 control chromosomes in the gnomAD database, including 1 homozygotes. The available data on variant occurrences in the general population are insufficient to allow any conclusion about variant significance. c.4519G>A has been observed in individual(s) affected with Hearing Loss (example: Tlili_2024). These report(s) do not provide unequivocal conclusions about association of the variant with Nonsyndromic Hearing Loss And Deafness, Type 77. The following publication has been ascertained in the context of this evaluation (PMID: 38844983). ClinVar contains an entry for this variant (Variation ID: 891650). Based on the evidence outlined above, the variant was classified as uncertain significance.

Blueprint Genetics
Classification: Uncertain significance. Last evaluated: 2024-07-10. Review status: criteria provided, single submitter. Criteria: ACMG Guidelines, 2015. Collection method: clinical testing. Allele origin: germline.

Illumina Laboratory Services, Illumina
Classification: Uncertain significance for Autosomal recessive nonsyndromic hearing loss 77. Last evaluated: 2018-01-12. Review status: criteria provided, single submitter. Criteria: ICSL Variant Classification Criteria 13 December 2019. Collection method: clinical testing. Allele origin: germline.

Literature cited by the submitters: PubMed 38844983 (cited by Women's Health and Genetics/Laboratory Corporation of America, LabCorp).